The following is an entry in ClinVar:

ClinVar aggregate classification (germline): Uncertain significance. Review status: criteria provided, multiple submitters, no conflicts (2 of 4 stars). 2 submissions from 2 submitters: Uncertain significance (2). Last evaluated 2025-02-11.

Conditions:
Inborn genetic diseases. Identifiers: MedGen C0950123, MeSH D030342.

Allele frequency attached by ClinVar (database versions not stated): gnomAD 0.00001; gnomAD exomes 0.00001 and 0.00002; ExAC 0.00002.
gnomAD v4.1: 8 of 1,613,712 alleles (0.0005%); highest among the groups gnomAD compares: Admixed American, 0.0067%; no homozygotes.

Submissions (2):

Ambry Genetics
Classification: Uncertain significance for Inborn genetic diseases. Last evaluated: 2025-02-11. Review status: criteria provided, single submitter. Criteria: Ambry Variant Classification Scheme 2023. Collection method: clinical testing. Allele origin: germline.

Labcorp Genetics (formerly Invitae), Labcorp
Classification: Uncertain significance. Last evaluated: 2021-07-12. Review status: criteria provided, single submitter. Criteria: Invitae Variant Classification Sherloc (09022015). Collection method: clinical testing. Allele origin: germline.
Comment: In summary, the available evidence is currently insufficient to determine the role of this variant in disease. Therefore, it has been classified as a Variant of Uncertain Significance. Algorithms developed to predict the effect of missense changes on protein structure and function are either unavailable or do not agree on the potential impact of this missense change (SIFT: "Tolerated"; PolyPhen-2: "Probably Damaging"; Align-GVGD: "Class C0"). This variant has not been reported in the literature in individuals affected with HSPG2-related conditions. This variant is present in population databases (rs753931891, ExAC 0.02%). This sequence change replaces asparagine with aspartic acid at codon 2701 of the HSPG2 protein (p.Asn2701Asp). The asparagine residue is weakly conserved and there is a small physicochemical difference between asparagine and aspartic acid.

NM_005529.7(HSPG2):c.8101A>G (p.Asn2701Asp)

Gene: HSPG2 (heparan sulfate proteoglycan 2; minus strand). Cytogenetic location: 1p36.12.
Variant type: single nucleotide variant.
Coding change: c.8101A>G on transcript NM_005529.7 (MANE Select); coding-DNA position 8101, A replaced by G.
Protein change: p.Asn2701Asp; replaces asparagine 2701 with aspartic acid.
Molecular consequence: missense variant.
Genome position (GRCh38, 1-based): chr1:21,847,417, T>C on the plus strand (A>G on the coding strand, the complement: HSPG2 is on the minus strand). VCF-style: chr1-21847417-T-C. GRCh37 (hg19) VCF-style: chr1-22173910-T-C.
Other names: c.8101A>G (NM_005529.5); c.8104A>G, p.Asn2702Asp (NM_001291860.2); short protein forms N2701D, N2702D.
Identifiers: ClinVar variation 1521275 (VCV001521275.9), dbSNP rs753931891, ClinGen allele CA670928.
Genomic context (GRCh38, chr1:21,847,417, plus strand): 5'-AGGGGCTGCCGGCGCTAGGGGAGACGGAGATGACGATGGAGGCCTCCAGGGCATCGATGT[T>C]GTTGTTGGCCCGGCACACATACTCGCCCGAGTCAGCCACAGACATTTGGTGCAACCGCAG-3'
Protein context (NP_005520.4, residues 2691-2711): SGEYVCRANN[Asn2701Asp]IDALEASIVI